The following is an entry in ClinVar:

ClinVar aggregate classification (germline): Benign (1 of 4 stars; one submission).

Allele frequency attached by ClinVar (database versions not stated): gnomAD 0.02723 and 0.02939; 1000 Genomes Project 0.02915; TOPMed 0.03164; 1000 Genomes Project 30x 0.03217.
gnomAD v4.1: 4,109 of 152,292 alleles (2.7%); highest among the groups gnomAD compares: African/African-American, 9.3%; 202 homozygotes.

Submission:

GeneDx
Classification: Benign. Last evaluated: 2018-06-16. Review status: criteria provided, single submitter. Criteria: GeneDx Variant Classification (06012015). Collection method: clinical testing. Allele origin: germline. Affected: yes.
Comment: This variant is considered likely benign or benign based on one or more of the following criteria: it is a conservative change, it occurs at a poorly conserved position in the protein, it is predicted to be benign by multiple in silico algorithms, and/or has population frequency not consistent with disease.

NM_001384732.1(CPLANE1):c.5821-226T>C

Gene: CPLANE1 (ciliogenesis and planar polarity effector complex subunit 1; minus strand). Cytogenetic location: 5p13.2.
Variant type: single nucleotide variant.
Coding change: c.5821-226T>C on transcript NM_001384732.1 (MANE Select); 226 bases into the intron before coding-DNA position 5821, T replaced by C.
Molecular consequence: intron variant.
Genome position (GRCh38, 1-based): chr5:37,177,926, A>G on the plus strand (T>C on the coding strand, the complement: CPLANE1 is on the minus strand). VCF-style: chr5-37177926-A-G. GRCh37 (hg19) VCF-style: chr5-37178028-A-G.
Other names: c.5821-226T>C (NM_023073.4).
Identifiers: ClinVar variation 678156 (VCV000678156.1), dbSNP rs73750947, ClinGen allele CA117065634.